The following is an entry in ClinVar:

NM_000383.4(AIRE):c.1553C>T (p.Ser518Phe)

Genes: AIRE (autoimmune regulator; plus strand), LOC130066813 (ATAC-STARR-seq lymphoblastoid silent region 13378; plus strand). Cytogenetic location: 21q22.3.
Variant type: single nucleotide variant.
Coding change: c.1553C>T on transcript NM_000383.4 (MANE Select); coding-DNA position 1553, C replaced by T.
Protein change: p.Ser518Phe; replaces serine 518 with phenylalanine.
Molecular consequence: missense variant.
Genome position (GRCh38, 1-based): chr21:44,296,432, C>T. VCF-style: chr21-44296432-C-T. GRCh37 (hg19) VCF-style: chr21-45716315-C-T.
Other names: short protein forms S518F.
Identifiers: ClinVar variation 2168402 (VCV002168402.5), dbSNP rs777798500, ClinGen allele CA10052177.
Genomic context (GRCh38, chr21:44,296,432, plus strand): 5'-CTGGGTTCCAGGATGACACTGCCAGTCACGAGCCCGCTCTGCACAGGGATGACCTGGAGT[C>T]CCTTCTGAGCGAGGTAACGCCTCCCCTGGCCTCCTGGTGCTCCTCCACTCCCCCTCCCCT-3'
Protein context (NP_000374.1, residues 508-528): EPALHRDDLE[Ser518Phe]LLSEHTFDGI

ClinVar aggregate classification (germline): Uncertain significance. Review status: criteria provided, multiple submitters, no conflicts (2 of 4 stars). 2 submissions from 2 submitters: Uncertain significance (2). Last evaluated 2025-10-30.

Conditions:
Polyglandular autoimmune syndrome, type 1 (APS1). Also called: APS I; Autoimmune polyendocrinopathy syndrome, type I; HYPOADRENOCORTICISM WITH HYPOPARATHYROIDISM AND SUPERFICIAL MONILIASIS; PGA I; Whitaker syndrome; Autoimmune polyendocrine syndrome type 1. Identifiers: Orphanet 3453, MedGen C0085859, MONDO:0009411, OMIM 240300.
Inborn genetic diseases. Identifiers: MedGen C0950123, MeSH D030342.

Allele frequency attached by ClinVar (database versions not stated): gnomAD exomes below 0.00001; ExAC 0.00001; gnomAD 0.00001; TOPMed 0.00001.
gnomAD v4.1: 7 of 1,612,390 alleles (0.00043%); highest among the groups gnomAD compares: African/African-American, 0.0027%; no homozygotes.

Submissions (2):

Ambry Genetics
Classification: Uncertain significance for Inborn genetic diseases. Last evaluated: 2025-10-30. Review status: criteria provided, single submitter. Criteria: Ambry Variant Classification Scheme 2023. Collection method: clinical testing. Allele origin: germline.

Labcorp Genetics (formerly Invitae), Labcorp
Classification: Uncertain significance for Polyglandular autoimmune syndrome, type 1. Last evaluated: 2025-06-22. Review status: criteria provided, single submitter. Criteria: Invitae Variant Classification Sherloc (09022015). Collection method: clinical testing. Allele origin: germline.
Comment: This sequence change replaces serine, which is neutral and polar, with phenylalanine, which is neutral and non-polar, at codon 518 of the AIRE protein (p.Ser518Phe). This variant is present in population databases (rs777798500, gnomAD 0.007%). This variant has not been reported in the literature in individuals affected with AIRE-related conditions. ClinVar contains an entry for this variant (Variation ID: 2168402). Invitae Evidence Modeling of protein sequence and biophysical properties (such as structural, functional, and spatial information, amino acid conservation, physicochemical variation, residue mobility, and thermodynamic stability) has been performed for this missense variant. However, the output from this modeling did not meet the statistical confidence thresholds required to predict the impact of this variant on AIRE protein function. In summary, the available evidence is currently insufficient to determine the role of this variant in disease. Therefore, it has been classified as a Variant of Uncertain Significance.